The following is an entry in ClinVar:

NM_004211.5(SLC6A5):c.1010C>A (p.Pro337His)

Gene: SLC6A5 (solute carrier family 6 member 5; plus strand). Cytogenetic location: 11p15.1.
Variant type: single nucleotide variant.
Coding change: c.1010C>A on transcript NM_004211.5 (MANE Select); coding-DNA position 1010, C replaced by A.
Protein change: p.Pro337His; replaces proline 337 with histidine.
Molecular consequence: missense variant.
Genome position (GRCh38, 1-based): chr11:20,614,703, C>A. VCF-style: chr11-20614703-C-A. GRCh37 (hg19) VCF-style: chr11-20636249-C-A.
Other names: c.308C>A, p.Pro103His (NM_001318369.2); short protein forms P103H, P337H.
Identifiers: ClinVar variation 2120530 (VCV002120530.4), dbSNP rs865842548, ClinGen allele CA379915572.

ClinVar aggregate classification (germline): Uncertain significance (1 of 4 stars; one submission).

Conditions:
Hyperekplexia 3 (HKPX3). Also called: HYPEREKPLEXIA 3, AUTOSOMAL RECESSIVE; HYPEREKPLEXIA 3, AUTOSOMAL DOMINANT. Identifiers: Orphanet 3197, MedGen C3553288, MONDO:0013827, OMIM 614618.

Allele frequency attached by ClinVar (database versions not stated): gnomAD exomes below 0.00001.
gnomAD v4.1: 1 of 1,613,866 alleles (0.000062%); highest among the groups gnomAD compares: Non-Finnish European, 0.000085%; no homozygotes.

Submission:

Labcorp Genetics (formerly Invitae), Labcorp
Classification: Uncertain significance for Hyperekplexia 3. Last evaluated: 2022-04-04. Review status: criteria provided, single submitter. Criteria: Invitae Variant Classification Sherloc (09022015). Collection method: clinical testing. Allele origin: germline.
Comment: In summary, the available evidence is currently insufficient to determine the role of this variant in disease. Therefore, it has been classified as a Variant of Uncertain Significance. Advanced modeling of protein sequence and biophysical properties (such as structural, functional, and spatial information, amino acid conservation, physicochemical variation, residue mobility, and thermodynamic stability) performed at Invitae indicates that this missense variant is not expected to disrupt SLC6A5 protein function. This variant has not been reported in the literature in individuals affected with SLC6A5-related conditions. This variant is not present in population databases (gnomAD no frequency). This sequence change replaces proline, which is neutral and non-polar, with histidine, which is basic and polar, at codon 337 of the SLC6A5 protein (p.Pro337His).